The following is an entry in ClinVar:

ClinVar aggregate classification (germline): Likely benign (1 of 4 stars; one submission).

Allele frequency attached by ClinVar (database versions not stated): 1000 Genomes Project 0.00120; 1000 Genomes Project 30x 0.00125; TOPMed 0.00154; ESP Exome Variant Server 0.00162; gnomAD 0.00204; ExAC 0.00210; gnomAD exomes 0.00308.
gnomAD v4.1: 4,614 of 1,550,408 alleles (0.3%); highest among the groups gnomAD compares: Non-Finnish European, 0.34%; 13 homozygotes.

Submission:

CeGaT Center for Human Genetics Tuebingen
Classification: Likely benign. Last evaluated: 2023-01-01. Review status: criteria provided, single submitter. Criteria: CeGaT Center For Human Genetics Tuebingen Variant Classification Criteria Version 2. Collection method: clinical testing. Allele origin: germline. Affected: yes. Observed: 1 variant allele.
Comment: DENND5B: BP4, BP7

NM_144973.4(DENND5B):c.3096A>G (p.Lys1032=)

Gene: DENND5B (DENN domain containing 5B; minus strand). Cytogenetic location: 12p11.21.
Variant type: single nucleotide variant.
Coding change: c.3096A>G on transcript NM_144973.4 (MANE Select); coding-DNA position 3096, A replaced by G.
Protein change: p.Lys1032=; no amino-acid change (lysine 1032 retained).
Molecular consequence: synonymous variant.
Genome position (GRCh38, 1-based): chr12:31,398,335, T>C on the plus strand (A>G on the coding strand, the complement: DENND5B is on the minus strand). VCF-style: chr12-31398335-T-C. GRCh37 (hg19) VCF-style: chr12-31551269-T-C.
Other names: c.3201A>G, p.Lys1067= (NM_001308339.2).
Identifiers: ClinVar variation 2642826 (VCV002642826.24), dbSNP rs369420310, ClinGen allele CA6503530.